The following is an entry in ClinVar:

ClinVar aggregate classification (germline): Likely benign. Review status: criteria provided, single submitter (1 of 4 stars). 2 submissions from 2 submitters: Likely benign (1). 1 of the submissions does not count toward it. Last evaluated 2023-04-11.

Conditions:
EDA-related disorder. Also called: EDA-related condition; EDA-related disorders.
Hypohidrotic X-linked ectodermal dysplasia (XHED). Also called: Ectodermal Dysplasia 1, Anhidrotic; Anhidrotic ectodermal dysplasia X-linked; Christ Siemens Touraine syndrome; ECTODERMAL DYSPLASIA 1, HYPOHIDROTIC, X-LINKED; ECTODERMAL DYSPLASIA 1, HYPOHIDROTIC/HAIR/TOOTH TYPE, X-LINKED; ECTODERMAL DYSPLASIA 1. Identifiers: Orphanet 181, Orphanet 238468, MedGen C0162359, MONDO:0010585, OMIM 305100.

Allele frequency attached by ClinVar (database versions not stated): gnomAD exomes 0.00001; TOPMed 0.00002; gnomAD 0.00003.
gnomAD v4.1: 9 of 1,209,876 alleles (0.00074%); highest among the groups gnomAD compares: Non-Finnish European, 0.00089%; no homozygotes.

Submissions (2):

Labcorp Genetics (formerly Invitae), Labcorp
Classification: Likely benign for Hypohidrotic X-linked ectodermal dysplasia. Last evaluated: 2023-04-11. Review status: criteria provided, single submitter. Criteria: Invitae Variant Classification Sherloc (09022015). Collection method: clinical testing. Allele origin: germline.

PreventionGenetics, part of Exact Sciences
Classification: Likely benign for EDA-related condition. Last evaluated: 2023-02-25. Review status: no assertion criteria provided. Collection method: clinical testing. Allele origin: germline. Not counted in ClinVar's aggregate classification.
Comment: This variant is classified as likely benign based on ACMG/AMP sequence variant interpretation guidelines (Richards et al. 2015 PMID: 25741868, with internal and published modifications).

NM_001399.5(EDA):c.111G>A (p.Gly37=)

Gene: EDA (ectodysplasin A; plus strand). Cytogenetic location: Xq13.1.
Variant type: single nucleotide variant.
Coding change: c.111G>A on transcript NM_001399.5 (MANE Select); coding-DNA position 111, G replaced by A.
Protein change: p.Gly37=; no amino-acid change (glycine 37 retained).
Molecular consequence: synonymous variant.
Genome position (GRCh38, 1-based): chrX:69,616,419, G>A. VCF-style: chrX-69616419-G-A. GRCh37 (hg19) VCF-style: chrX-68836263-G-A.
Other names: c.111G>A, p.Gly37= (NM_001005609.2, NM_001005610.4, NM_001005612.3 and 1 more transcripts); c.111G>A (NM_001399.4).
Identifiers: ClinVar variation 1603085 (VCV001603085.10), dbSNP rs1301485954, ClinGen allele CA517051540.